The following is an entry in ClinVar:

NM_005045.4(RELN):c.1022C>G (p.Ala341Gly)

Gene: RELN (reelin; minus strand). Cytogenetic location: 7q22.1.
Variant type: single nucleotide variant.
Coding change: c.1022C>G on transcript NM_005045.4 (MANE Select); coding-DNA position 1022, C replaced by G.
Protein change: p.Ala341Gly; replaces alanine 341 with glycine.
Molecular consequence: missense variant.
Genome position (GRCh38, 1-based): chr7:103,697,974, G>C on the plus strand (C>G on the coding strand, the complement: RELN is on the minus strand). VCF-style: chr7-103697974-G-C. GRCh37 (hg19) VCF-style: chr7-103338421-G-C.
Other names: c.1022C>G, p.Ala341Gly (NM_173054.3); short protein forms A341G.
Identifiers: ClinVar variation 2940153 (VCV002940153.4), dbSNP rs1467885013, ClinGen allele CA368927662.

ClinVar aggregate classification (germline): Uncertain significance. Review status: criteria provided, multiple submitters, no conflicts (2 of 4 stars). 2 submissions from 2 submitters: Uncertain significance (2). Last evaluated 2023-10-10.

Conditions:
Familial temporal lobe epilepsy 7. Identifiers: Orphanet 101046, MedGen C4225327, MONDO:0014639, OMIM 616436.
Norman-Roberts syndrome (LIS2). Also called: Lissencephaly 2 (Norman-Roberts type). Identifiers: Orphanet 89844, MedGen C0796089, MONDO:0009760, OMIM 257320.

Allele frequency attached by ClinVar (database versions not stated): TOPMed below 0.00001.
gnomAD v4.1: 8 of 1,613,746 alleles (0.0005%); highest among the groups gnomAD compares: Non-Finnish European, 0.00068%; no homozygotes.

Submissions (2):

Labcorp Genetics (formerly Invitae), Labcorp
Classification: Uncertain significance for Familial temporal lobe epilepsy 7; Norman-Roberts syndrome. Last evaluated: 2023-10-10. Review status: criteria provided, single submitter. Criteria: Invitae Variant Classification Sherloc (09022015). Collection method: clinical testing. Allele origin: germline.
Comment: This sequence change replaces alanine, which is neutral and non-polar, with glycine, which is neutral and non-polar, at codon 341 of the RELN protein (p.Ala341Gly). This variant is not present in population databases (gnomAD no frequency). This variant has not been reported in the literature in individuals affected with RELN-related conditions. Advanced modeling of protein sequence and biophysical properties (such as structural, functional, and spatial information, amino acid conservation, physicochemical variation, residue mobility, and thermodynamic stability) performed at Invitae indicates that this missense variant is not expected to disrupt RELN protein function. In summary, the available evidence is currently insufficient to determine the role of this variant in disease. Therefore, it has been classified as a Variant of Uncertain Significance.

Blueprint Genetics
Classification: Uncertain significance. Last evaluated: 2022-06-27. Review status: criteria provided, single submitter. Criteria: ACMG Guidelines, 2015. Collection method: clinical testing. Allele origin: germline.